The following is an entry in ClinVar:

ClinVar aggregate classification (germline): Uncertain significance. Review status: criteria provided, multiple submitters, no conflicts (2 of 4 stars). 3 submissions from 3 submitters: Uncertain significance (3). Last evaluated 2024-08-23.

Conditions:
Inborn genetic diseases. Identifiers: MedGen C0950123, MeSH D030342.

Allele frequency attached by ClinVar (database versions not stated): TOPMed 0.00003; ESP Exome Variant Server 0.00008.
gnomAD v4.1: 51 of 1,614,132 alleles (0.0032%); highest among the groups gnomAD compares: Middle Eastern, 0.12%; 1 homozygote.

Submissions (3):

Blueprint Genetics
Classification: Uncertain significance. Last evaluated: 2024-08-23. Review status: criteria provided, single submitter. Criteria: ACMG Guidelines, 2015. Collection method: clinical testing. Allele origin: germline.

Labcorp Genetics (formerly Invitae), Labcorp
Classification: Uncertain significance. Last evaluated: 2023-02-13. Review status: criteria provided, single submitter. Criteria: Invitae Variant Classification Sherloc (09022015). Collection method: clinical testing. Allele origin: germline.
Comment: This variant is present in population databases (rs200188427, gnomAD 0.004%). This sequence change replaces glycine, which is neutral and non-polar, with cysteine, which is neutral and slightly polar, at codon 31 of the NDUFA6 protein (p.Gly31Cys). This variant has not been reported in the literature in individuals affected with NDUFA6-related conditions. ClinVar contains an entry for this variant (Variation ID: 1492492). An algorithm developed to predict the effect of missense changes on protein structure and function (PolyPhen-2) suggests that this variant is likely to be disruptive. In summary, the available evidence is currently insufficient to determine the role of this variant in disease. Therefore, it has been classified as a Variant of Uncertain Significance.

Ambry Genetics
Classification: Uncertain significance for Inborn genetic diseases. Last evaluated: 2021-10-14. Review status: criteria provided, single submitter. Criteria: Ambry Variant Classification Scheme 2023. Collection method: clinical testing. Allele origin: germline.

NM_002490.6(NDUFA6):c.13G>T (p.Gly5Cys)

Gene: NDUFA6 (NADH:ubiquinone oxidoreductase subunit A6; minus strand). Cytogenetic location: 22q13.2.
Variant type: single nucleotide variant.
Coding change: c.13G>T on transcript NM_002490.6 (MANE Select); coding-DNA position 13, G replaced by T.
Protein change: p.Gly5Cys; replaces glycine 5 with cysteine.
Molecular consequence: missense variant.
Genome position (GRCh38, 1-based): chr22:42,090,732, C>A on the plus strand (G>T on the coding strand, the complement: NDUFA6 is on the minus strand). VCF-style: chr22-42090732-C-A. GRCh37 (hg19) VCF-style: chr22-42486736-C-A.
Other names: c.91G>T (NM_002490.3); short protein forms G5C.
Identifiers: ClinVar variation 1492492 (VCV001492492.8), dbSNP rs200188427, ClinGen allele CA10264446.